The following is an entry in ClinVar:

ClinVar aggregate classification (germline): Uncertain significance (1 of 4 stars; one submission).

gnomAD v4.1: 2 of 1,613,742 alleles (0.00012%); highest among the groups gnomAD compares: Non-Finnish European, 0.00017%; no homozygotes.

Submission:

GeneDx
Classification: Uncertain significance. Last evaluated: 2026-03-09. Review status: criteria provided, single submitter. Criteria: GeneDx Variant Classification Process June 2021. Collection method: clinical testing. Allele origin: germline.
Comment: Not observed at significant frequency in large population cohorts (gnomAD); In silico analysis supports that this missense variant has a deleterious effect on protein structure/function; Has not been previously published as pathogenic or benign to our knowledge

NM_016284.5(CNOT1):c.847C>T (p.Arg283Trp)

Gene: CNOT1 (CCR4-NOT transcription complex subunit 1; minus strand). Cytogenetic location: 16q21.
Variant type: single nucleotide variant.
Coding change: c.847C>T on transcript NM_016284.5 (MANE Select); coding-DNA position 847, C replaced by T.
Protein change: p.Arg283Trp; replaces arginine 283 with tryptophan.
Molecular consequence: missense variant. On other transcripts: non-coding transcript variant (1).
Genome position (GRCh38, 1-based): chr16:58,583,142, G>A on the plus strand (C>T on the coding strand, the complement: CNOT1 is on the minus strand). VCF-style: chr16-58583142-G-A. GRCh37 (hg19) VCF-style: chr16-58617046-G-A.
Other names: c.847C>T, p.Arg283Trp (NM_001265612.2, NM_206999.3); short protein forms R283W.
Identifiers: ClinVar variation 5008886 (VCV005008886.1).